The following is an entry in ClinVar:

ClinVar aggregate classification (germline): Uncertain significance (1 of 4 stars; one submission).

Conditions:
Early-infantile DEE. Also called: Early infantile epileptic encephalopathy with suppression bursts; Ohtahara syndrome; Early infantile epileptic encephalopathy. Identifiers: Orphanet 1934, MedGen C0393706, MONDO:0800491.

Submission:

Labcorp Genetics (formerly Invitae), Labcorp
Classification: Uncertain significance for Early-infantile DEE. Last evaluated: 2025-08-16. Review status: criteria provided, single submitter. Criteria: Invitae Variant Classification Sherloc (09022015). Collection method: clinical testing. Allele origin: germline.
Comment: This sequence change replaces methionine, which is neutral and non-polar, with leucine, which is neutral and non-polar, at codon 244 of the GNAO1 protein (p.Met244Leu). This variant is not present in population databases (gnomAD no frequency). This variant has not been reported in the literature in individuals affected with GNAO1-related conditions. This missense change has been observed in at least one individual who was not affected with GNAO1-related conditions (internal data). Invitae Evidence Modeling of protein sequence and biophysical properties (such as structural, functional, and spatial information, amino acid conservation, physicochemical variation, residue mobility, and thermodynamic stability) has been performed for this missense variant. However, the output from this modeling did not meet the statistical confidence thresholds required to predict the impact of this variant on GNAO1 protein function. In summary, the available evidence is currently insufficient to determine the role of this variant in disease. Therefore, it has been classified as a Variant of Uncertain Significance.

NM_020988.3(GNAO1):c.730A>C (p.Met244Leu)

Gene: GNAO1 (G protein subunit alpha o1; plus strand). Cytogenetic location: 16q13.
Variant type: single nucleotide variant.
Coding change: c.730A>C on transcript NM_020988.3 (MANE Select); coding-DNA position 730, A replaced by C.
Protein change: p.Met244Leu; replaces methionine 244 with leucine.
Molecular consequence: missense variant.
Genome position (GRCh38, 1-based): chr16:56,351,390, A>C. VCF-style: chr16-56351390-A-C. GRCh37 (hg19) VCF-style: chr16-56385302-A-C.
Other names: short protein forms M244L.
Identifiers: ClinVar variation 4745988 (VCV004745988.1).